The following is an entry in ClinVar:

ClinVar aggregate classification (germline): Pathogenic/Likely pathogenic. Review status: criteria provided, multiple submitters, no conflicts (2 of 4 stars). 2 submissions from 2 submitters: Pathogenic (1); Likely pathogenic (1). Last evaluated 2024-06-20.

Conditions:
LAMA2-related muscular dystrophy (LAMA2-RD). Also called: Laminin alpha 2-related dystrophy. Identifiers: MedGen C5679788, MONDO:0100228.

Submissions (2):

Myriad Genetics, Inc.
Classification: Pathogenic for LAMA2-related muscular dystrophy. Last evaluated: 2024-06-20. Review status: criteria provided, single submitter. Criteria: Myriad Autosomal Dominant, Autosomal Recessive and X-Linked Classification Criteria (2023). Collection method: clinical testing. Allele origin: unknown.
Comment: NM_000426.3(LAMA2):c.164delA(N55Mfs*16) is expected to be pathogenic in the context of muscular dystrophy, LAMA2-related. This variant is predicted to lead to an abnormal or absent protein product due to the creation of a premature termination codon in LAMA2, a gene where loss-of-function variants are known to be pathogenic. Please note: this variant was assessed in the context of healthy population screening.

Women's Health and Genetics/Laboratory Corporation of America, LabCorp
Classification: Likely pathogenic for LAMA2-related muscular dystrophy. Last evaluated: 2022-12-15. Review status: criteria provided, single submitter. Criteria: LabCorp Variant Classification Summary - May 2015. Collection method: clinical testing. Allele origin: germline.
Comment: Variant summary: LAMA2 c.164delA (p.Asn55MetfsX16) results in a premature termination codon, predicted to cause a truncation of the encoded protein or absence of the protein due to nonsense mediated decay, which are commonly known mechanisms for disease. Truncations downstream of this position have been classified as pathogenic by our laboratory and associated with Laminin Alpha 2- Related Muscular Dystophy in HGMD. The variant was absent in 251486 control chromosomes. c.164delA has been reported in the literature as a homozygous and heterozygous genotype in individuals affected with Laminin Alpha 2-Related Dystrophy (Example: Ozyilmaz_2019, Oliveira_2018). To our knowledge, no experimental evidence demonstrating an impact on protein function has been reported. No clinical diagnostic laboratories have submitted clinical-significance assessments for this variant to ClinVar after 2014. Based on the evidence outlined above, the variant was classified as likely pathogenic.

Literature cited by the submitters: PubMed 30055037 (cited by Women's Health and Genetics/Laboratory Corporation of America, LabCorp); PubMed 31066050 (cited by Women's Health and Genetics/Laboratory Corporation of America, LabCorp).

NM_000426.4(LAMA2):c.164del (p.Asn55fs)

Gene: LAMA2 (laminin subunit alpha 2; plus strand). Cytogenetic location: 6q22.33.
Variant type: Deletion.
Coding change: c.164del on transcript NM_000426.4 (MANE Select); coding-DNA position 164, one base deleted (A; older notation c.164delA).
Protein change: p.Asn55fs; shifts the reading frame from asparagine 55.
Molecular consequence: frameshift variant.
Genome position (GRCh38, 1-based): chr6:129,049,969, A deleted; the last of 2 consecutive A bases (chr6:129,049,968-129,049,969); deleting either gives the same sequence. VCF-style (leftmost placement, unchanged base first): chr6-129049967-CA-C. GRCh37 (hg19) VCF-style: chr6-129371112-CA-C.
Other names: c.164del, p.Asn55fs (NM_001079823.2); short protein forms N55fs.
Identifiers: ClinVar variation 1878305 (VCV001878305.2), dbSNP rs2482237536, ClinGen allele CA2580074880.